The following is an entry in ClinVar:

ClinVar aggregate classification (germline): Likely pathogenic. Review status: criteria provided, multiple submitters, no conflicts (2 of 4 stars). 2 submissions from 2 submitters: Likely pathogenic (2). Last evaluated 2025-02-18.

Conditions:
Arrhythmogenic right ventricular dysplasia 10. Also called: ARRHYTHMOGENIC RIGHT VENTRICULAR DYSPLASIA, FAMILIAL, 10; Arrhythmogenic Right Ventricular Dysplasia/Cardiomyopathy10; Arrhythmogenic right ventricular dysplasia/cardiomyopathy, type 10. Identifiers: MedGen C1857777, MONDO:0012434, OMIM 610193.
DSG2-related disorders.

Submissions (2):

3billion
Classification: Likely pathogenic for Arrhythmogenic right ventricular dysplasia 10. Last evaluated: 2025-02-18. Review status: criteria provided, single submitter. Criteria: ACMG Guidelines, 2015. Collection method: clinical testing. Allele origin: germline. Affected: yes.
Comment: The variant is not observed in the gnomAD v4.1.0 dataset. Predicted Consequence/Location: Canonical splice site: predicted to alter splicing and result in a loss or disruption of normal protein function. Multiple pathogenic loss-of-function variants are reported downstream of the variant. In silico tools predict the variant to alter splicing and produce an abnormal transcript [SpliceAI: 1.00 (spliceogenicity >=0.2, non-spliceogenicity <0.1)]. Therefore, this variant is classified as Likely pathogenic according to the recommendation of ACMG/AMP guideline.

Blueprint Genetics
Classification: Likely pathogenic for DSG2-related disorders. Last evaluated: 2023-08-17. Review status: criteria provided, single submitter. Criteria: ACMG Guidelines, 2015. Collection method: clinical testing. Allele origin: germline. Affected: yes. Observed: 1 variant allele.

NM_001943.5(DSG2):c.1424-1G>A

Gene: DSG2 (desmoglein 2; plus strand). Cytogenetic location: 18q12.1.
Variant type: single nucleotide variant.
Coding change: c.1424-1G>A on transcript NM_001943.5 (MANE Select); the canonical splice acceptor site of the intron before coding-DNA position 1424, G replaced by A.
Molecular consequence: splice acceptor variant.
Genome position (GRCh38, 1-based): chr18:31,536,201, G>A. VCF-style: chr18-31536201-G-A. GRCh37 (hg19) VCF-style: chr18-29116164-G-A.
Identifiers: ClinVar variation 4291740 (VCV004291740.2).